The following is an entry in ClinVar:

ClinVar aggregate classification (germline): Likely benign. Review status: criteria provided, multiple submitters, no conflicts (2 of 4 stars). 3 submissions from 3 submitters: Likely benign (3). Last evaluated 2026-01-19.

Conditions:
CTC1-related disorder. Also called: CTC1-related condition.
Dyskeratosis congenita. Identifiers: Orphanet 1775, MedGen C0265965, MONDO:0015780.

Allele frequency attached by ClinVar (database versions not stated): ExAC 0.00003; gnomAD 0.00003 and 0.00005; gnomAD exomes 0.00006; TOPMed 0.00006; 1000 Genomes Project 30x 0.00031; 1000 Genomes Project 0.00040.
gnomAD v4.1: 89 of 1,612,970 alleles (0.0055%); highest among the groups gnomAD compares: Middle Eastern, 0.033%; no homozygotes.

Submissions (3):

Labcorp Genetics (formerly Invitae), Labcorp
Classification: Likely benign for Dyskeratosis congenita. Last evaluated: 2026-01-19. Review status: criteria provided, single submitter. Criteria: Invitae Variant Classification Sherloc (09022015). Collection method: clinical testing. Allele origin: germline.

PreventionGenetics, part of Exact Sciences
Classification: Likely benign for CTC1-related condition. Last evaluated: 2024-12-31. Review status: criteria provided, single submitter. Criteria: ACMG Guidelines, 2015. Collection method: clinical testing. Allele origin: germline.
Comment: This variant is classified as likely benign based on ACMG/AMP sequence variant interpretation guidelines (Richards et al. 2015 PMID: 25741868, with internal and published modifications).

Blueprint Genetics
Classification: Likely benign. Last evaluated: 2023-05-19. Review status: criteria provided, single submitter. Criteria: ACMG Guidelines, 2015. Collection method: clinical testing. Allele origin: germline.

NM_025099.6(CTC1):c.2352C>T (p.Pro784=)

Gene: CTC1 (CST telomere replication complex component 1; minus strand). Cytogenetic location: 17p13.1.
Variant type: single nucleotide variant.
Coding change: c.2352C>T on transcript NM_025099.6 (MANE Select); coding-DNA position 2352, C replaced by T.
Protein change: p.Pro784=; no amino-acid change (proline 784 retained).
Molecular consequence: synonymous variant. On other transcripts: non-coding transcript variant (1).
Genome position (GRCh38, 1-based): chr17:8,231,936, G>A on the plus strand (C>T on the coding strand, the complement: CTC1 is on the minus strand). VCF-style: chr17-8231936-G-A. GRCh37 (hg19) VCF-style: chr17-8135254-G-A.
Other names: c.2352C>T (NM_025099.5).
Identifiers: ClinVar variation 1109503 (VCV001109503.11), dbSNP rs372436060, ClinGen allele CA8372118.